The following is an entry in ClinVar:

ClinVar aggregate classification (germline): Likely benign (0 of 4 stars; one submission).

Conditions:
PKD1L1-related disorder. Also called: PKD1L1-related condition.

gnomAD v4.1: 41 of 1,613,964 alleles (0.0025%); highest among the groups gnomAD compares: South Asian, 0.022%; no homozygotes.

Submission:

PreventionGenetics, part of Exact Sciences
Classification: Likely benign for PKD1L1-related condition. Last evaluated: 2024-05-23. Review status: no assertion criteria provided. Collection method: clinical testing. Allele origin: germline.
Comment: This variant is classified as likely benign based on ACMG/AMP sequence variant interpretation guidelines (Richards et al. 2015 PMID: 25741868, with internal and published modifications).

NM_138295.5(PKD1L1):c.2196T>C (p.Ala732=)

Gene: PKD1L1 (polycystin 1 like 1, transient receptor potential channel interacting; minus strand). Cytogenetic location: 7p12.3.
Variant type: single nucleotide variant.
Coding change: c.2196T>C on transcript NM_138295.5 (MANE Select); coding-DNA position 2196, T replaced by C.
Protein change: p.Ala732=; no amino-acid change (alanine 732 retained).
Molecular consequence: synonymous variant.
Genome position (GRCh38, 1-based): chr7:47,898,063, A>G on the plus strand (T>C on the coding strand, the complement: PKD1L1 is on the minus strand). VCF-style: chr7-47898063-A-G. GRCh37 (hg19) VCF-style: chr7-47937660-A-G.
Identifiers: ClinVar variation 3358422 (VCV003358422.1).